The following is an entry in ClinVar:

ClinVar aggregate classification (germline): Uncertain significance. Review status: criteria provided, multiple submitters, no conflicts (2 of 4 stars). 2 submissions from 2 submitters: Uncertain significance (2). Last evaluated 2026-01-06.

Conditions:
Liddle syndrome 2. Identifiers: MedGen C4748251, MONDO:0020854, OMIM 618114.
Pseudohypoaldosteronism, type IB3, autosomal recessive (PHA1B3). Identifiers: MedGen C5774256, MONDO:0859318, OMIM 620126.
Bronchiectasis with or without elevated sweat chloride 3 (BESC3). Identifiers: Orphanet 60033, MedGen C2751324, MONDO:0013112, OMIM 613071.

Allele frequency attached by ClinVar (database versions not stated): gnomAD exomes 0.00001; TOPMed 0.00002; gnomAD 0.00005; ExAC 0.00012; 1000 Genomes Project 0.00060; 1000 Genomes Project 30x 0.00062.
gnomAD v4.1: 31 of 1,614,234 alleles (0.0019%); highest among the groups gnomAD compares: East Asian, 0.049%; no homozygotes.

Submissions (2):

Labcorp Genetics (formerly Invitae), Labcorp
Classification: Uncertain significance. Last evaluated: 2026-01-06. Review status: criteria provided, single submitter. Criteria: Invitae Variant Classification Sherloc (09022015). Collection method: clinical testing. Allele origin: germline.
Comment: This sequence change replaces glycine, which is neutral and non-polar, with valine, which is neutral and non-polar, at codon 184 of the SCNN1G protein (p.Gly184Val). This variant is present in population databases (rs569006664, gnomAD 0.2%). This missense change has been observed in individual(s) with hypertension (PMID: 32561571). ClinVar contains an entry for this variant (Variation ID: 2731600). An algorithm developed to predict the effect of missense changes on protein structure and function (PolyPhen-2) suggests that this variant is likely to be disruptive. In summary, the available evidence is currently insufficient to determine the role of this variant in disease. Therefore, it has been classified as a Variant of Uncertain Significance.

Fulgent Genetics
Classification: Uncertain significance for Bronchiectasis with or without elevated sweat chloride 3; Liddle syndrome 2; Pseudohypoaldosteronism, type IB3, autosomal recessive. Last evaluated: 2024-05-24. Review status: criteria provided, single submitter. Criteria: ACMG Guidelines, 2015. Collection method: clinical testing. Allele origin: germline.

Literature cited by the submitters: PubMed 32561571 (cited by Labcorp Genetics (formerly Invitae), Labcorp).

NM_001039.4(SCNN1G):c.551G>T (p.Gly184Val)

Gene: SCNN1G (sodium channel epithelial 1 subunit gamma; plus strand). Cytogenetic location: 16p12.2.
Variant type: single nucleotide variant.
Coding change: c.551G>T on transcript NM_001039.4 (MANE Select); coding-DNA position 551, G replaced by T.
Protein change: p.Gly184Val; replaces glycine 184 with valine.
Molecular consequence: missense variant.
Genome position (GRCh38, 1-based): chr16:23,189,604, G>T. VCF-style: chr16-23189604-G-T. GRCh37 (hg19) VCF-style: chr16-23200925-G-T.
Other names: short protein forms G184V.
Identifiers: ClinVar variation 2731600 (VCV002731600.4), dbSNP rs569006664, ClinGen allele CA7959597.